The following is an entry in ClinVar:

NM_005633.4(SOS1):c.3871C>T (p.Pro1291Ser)

Gene: SOS1 (SOS Ras/Rac guanine nucleotide exchange factor 1; minus strand). Cytogenetic location: 2p22.1.
Variant type: single nucleotide variant.
Coding change: c.3871C>T on transcript NM_005633.4 (MANE Select); coding-DNA position 3871, C replaced by T.
Protein change: p.Pro1291Ser; replaces proline 1291 with serine.
Molecular consequence: missense variant.
Genome position (GRCh38, 1-based): chr2:38,985,955, G>A on the plus strand (C>T on the coding strand, the complement: SOS1 is on the minus strand). VCF-style: chr2-38985955-G-A. GRCh37 (hg19) VCF-style: chr2-39213096-G-A.
Other names: c.3850C>T, p.Pro1284Ser (NM_001382394.1); c.3826C>T, p.Pro1276Ser (NM_001382395.1); short protein forms P1284S, P1291S, P1276S.
Identifiers: ClinVar variation 5030016 (VCV005030016.1).

ClinVar aggregate classification (germline): Uncertain significance (1 of 4 stars; one submission).

Conditions:
Cardiovascular phenotype. Identifiers: MedGen CN230736.

Submission:

Ambry Genetics
Classification: Uncertain significance for Cardiovascular phenotype. Last evaluated: 2026-08-16. Review status: criteria provided, single submitter. Criteria: Ambry Variant Classification Scheme 2023. Collection method: clinical testing. Allele origin: germline.
Comment: The p.P1291S variant (also known as c.3871C>T), located in coding exon 23 of the SOS1 gene, results from a C to T substitution at nucleotide position 3871. The proline at codon 1291 is replaced by serine, an amino acid with similar properties. This amino acid position is conserved. In addition, the in silico prediction for this alteration is inconclusive. Based on the available evidence, the clinical significance of this variant remains unclear.